The following is an entry in ClinVar:

ClinVar aggregate classification (germline): Uncertain significance. Review status: criteria provided, multiple submitters, no conflicts (2 of 4 stars). 3 submissions from 3 submitters: Uncertain significance (3). Last evaluated 2025-10-02.

Conditions:
Inborn genetic diseases. Identifiers: MedGen C0950123, MeSH D030342.
Familial infantile myasthenia (CMS6). Also called: Congenital myasthenic syndrome type 6; MYASTHENIC SYNDROME, PRESYNAPTIC, CONGENITAL, ASSOCIATED WITH EPISODIC APNEA; MYASTHENIC SYNDROME, CONGENITAL, 6, PRESYNAPTIC. Identifiers: Orphanet 590, MedGen C0393929, MONDO:0009689, OMIM 254210.

Allele frequency attached by ClinVar (database versions not stated): gnomAD 0.00003 and 0.00004; TOPMed 0.00003; ExAC 0.00005; gnomAD exomes 0.00005 and 0.00006.
gnomAD v4.1: 80 of 1,613,924 alleles (0.005%); highest among the groups gnomAD compares: Non-Finnish European, 0.0064%; no homozygotes.

Submissions (3):

Ambry Genetics
Classification: Uncertain significance for Inborn genetic diseases. Last evaluated: 2025-10-02. Review status: criteria provided, single submitter. Criteria: Ambry Variant Classification Scheme 2023. Collection method: clinical testing. Allele origin: germline.

Labcorp Genetics (formerly Invitae), Labcorp
Classification: Uncertain significance for Familial infantile myasthenia. Last evaluated: 2022-05-27. Review status: criteria provided, single submitter. Criteria: Invitae Variant Classification Sherloc (09022015). Collection method: clinical testing. Allele origin: germline.
Comment: This sequence change replaces alanine, which is neutral and non-polar, with threonine, which is neutral and polar, at codon 579 of the CHAT protein (p.Ala579Thr). This variant is present in population databases (rs750002983, gnomAD 0.01%). This variant has not been reported in the literature in individuals affected with CHAT-related conditions. ClinVar contains an entry for this variant (Variation ID: 844118). Advanced modeling of protein sequence and biophysical properties (such as structural, functional, and spatial information, amino acid conservation, physicochemical variation, residue mobility, and thermodynamic stability) performed at Invitae indicates that this missense variant is not expected to disrupt CHAT protein function. In summary, the available evidence is currently insufficient to determine the role of this variant in disease. Therefore, it has been classified as a Variant of Uncertain Significance.

Revvity Omics, Revvity
Classification: Uncertain significance for Familial infantile myasthenia. Last evaluated: 2019-09-26. Review status: criteria provided, single submitter. Criteria: ACMG Guidelines, 2015. Collection method: clinical testing. Allele origin: germline.

NM_020549.5(CHAT):c.1735G>A (p.Ala579Thr)

Gene: CHAT (choline O-acetyltransferase; plus strand). Cytogenetic location: 10q11.23.
Variant type: single nucleotide variant.
Coding change: c.1735G>A on transcript NM_020549.5 (MANE Select); coding-DNA position 1735, G replaced by A.
Protein change: p.Ala579Thr; replaces alanine 579 with threonine.
Molecular consequence: missense variant.
Genome position (GRCh38, 1-based): chr10:49,655,195, G>A. VCF-style: chr10-49655195-G-A. GRCh37 (hg19) VCF-style: chr10-50863241-G-A.
Other names: c.1381G>A, p.Ala461Thr (NM_001142929.2, NM_001142934.2, NM_020984.4 and 2 more transcripts); c.1489G>A, p.Ala497Thr (NM_001142933.2); short protein forms A579T, A461T, A497T.
Identifiers: ClinVar variation 844118 (VCV000844118.8), dbSNP rs750002983, ClinGen allele CA5497603.